The following is an entry in ClinVar:

ClinVar aggregate classification (germline): Uncertain significance. Review status: criteria provided, multiple submitters, no conflicts (2 of 4 stars). 4 submissions from 4 submitters: Uncertain significance (4). Last evaluated 2025-04-29.

Conditions:
Osteogenesis imperfecta (OI). Identifiers: Orphanet 666, MedGen C0029434, MeSH D010013, MONDO:0019019.

Allele frequency attached by ClinVar (database versions not stated): gnomAD exomes below 0.00001; ExAC 0.00001; gnomAD 0.00001.
gnomAD v4.1: 11 of 1,612,304 alleles (0.00068%); highest among the groups gnomAD compares: Middle Eastern, 0.016%; no homozygotes.

Submissions (4):

GeneDx
Classification: Uncertain significance. Last evaluated: 2025-04-29. Review status: criteria provided, single submitter. Criteria: GeneDx Variant Classification Process June 2021. Collection method: clinical testing. Allele origin: germline. Affected: yes.
Comment: Not observed at significant frequency in large population cohorts (gnomAD); In silico analysis indicates that this missense variant does not alter protein structure/function; Has not been previously published as pathogenic or benign to our knowledge

Women's Health and Genetics/Laboratory Corporation of America, LabCorp
Classification: Uncertain significance. Last evaluated: 2024-10-29. Review status: criteria provided, single submitter. Criteria: LabCorp Variant Classification Summary - May 2015. Collection method: clinical testing. Allele origin: germline.
Comment: Variant summary: PLOD2 c.1450C>T (p.Arg484Cys) results in a non-conservative amino acid change in the encoded protein sequence. Four of five in-silico tools predict a damaging effect of the variant on protein function. The variant allele was found at a frequency of 4e-06 in 251030 control chromosomes. The available data on variant occurrences in the general population are insufficient to allow any conclusion about variant significance. To our knowledge, no occurrence of c.1450C>T in individuals affected with Osteogenesis Imperfecta and no experimental evidence demonstrating its impact on protein function have been reported. ClinVar contains an entry for this variant (Variation ID: 1702041). Based on the evidence outlined above, the variant was classified as uncertain significance.

Labcorp Genetics (formerly Invitae), Labcorp
Classification: Uncertain significance. Last evaluated: 2022-06-26. Review status: criteria provided, single submitter. Criteria: Invitae Variant Classification Sherloc (09022015). Collection method: clinical testing. Allele origin: germline.
Comment: In summary, the available evidence is currently insufficient to determine the role of this variant in disease. Therefore, it has been classified as a Variant of Uncertain Significance. Algorithms developed to predict the effect of missense changes on protein structure and function are either unavailable or do not agree on the potential impact of this missense change (SIFT: "Deleterious"; PolyPhen-2: "Possibly Damaging"; Align-GVGD: "Class C0"). This sequence change replaces arginine, which is basic and polar, with cysteine, which is neutral and slightly polar, at codon 484 of the PLOD2 protein (p.Arg484Cys). This variant has not been reported in the literature in individuals affected with PLOD2-related conditions. This variant is present in population databases (rs774012315, gnomAD 0.0009%).

Genome Diagnostics Laboratory, The Hospital for Sick Children
Classification: Uncertain significance for Osteogenesis imperfecta. Last evaluated: 2018-10-01. Review status: criteria provided, single submitter. Criteria: ACMG Guidelines, 2015. Collection method: clinical testing. Allele origin: germline.

NM_182943.3(PLOD2):c.1450C>T (p.Arg484Cys)

Gene: PLOD2 (procollagen-lysine,2-oxoglutarate 5-dioxygenase 2; minus strand). Cytogenetic location: 3q24.
Variant type: single nucleotide variant.
Coding change: c.1450C>T on transcript NM_182943.3 (MANE Select); coding-DNA position 1450, C replaced by T.
Protein change: p.Arg484Cys; replaces arginine 484 with cysteine.
Molecular consequence: missense variant.
Genome position (GRCh38, 1-based): chr3:146,079,166, G>A on the plus strand (C>T on the coding strand, the complement: PLOD2 is on the minus strand). VCF-style: chr3-146079166-G-A. GRCh37 (hg19) VCF-style: chr3-145796953-G-A.
Other names: c.1450C>T, p.Arg484Cys (NM_000935.3); short protein forms R484C.
Identifiers: ClinVar variation 1702041 (VCV001702041.8), dbSNP rs774012315, ClinGen allele CA2654893.
Genomic context (GRCh38, chr3:146,079,166, plus strand): 5'-CATATCTTACCATTTCTCTAGCATTTCGGCAAAGAGCCATATCAGGATCCAGTTTATCAC[G>A]AACAAAATAGTTCCTTTCATTCATCTCTGATCGGAGTGTCTTTCCTTTAATTAAGTACAC-3'
Protein context (NP_891988.1, residues 474-494): SEMNERNYFV[Arg484Cys]DKLDPDMALC